The following is an entry in ClinVar:

NM_198999.3(SLC26A5):c.403G>A (p.Gly135Ser)

Gene: SLC26A5 (solute carrier family 26 member 5; minus strand). Cytogenetic location: 7q22.1.
Variant type: single nucleotide variant.
Coding change: c.403G>A on transcript NM_198999.3 (MANE Select); coding-DNA position 403, G replaced by A.
Protein change: p.Gly135Ser; replaces glycine 135 with serine.
Molecular consequence: missense variant. On other transcripts: non-coding transcript variant (5).
Genome position (GRCh38, 1-based): chr7:103,413,002, C>T on the plus strand (G>A on the coding strand, the complement: SLC26A5 is on the minus strand). VCF-style: chr7-103413002-C-T. GRCh37 (hg19) VCF-style: chr7-103053449-C-T.
Other names: c.403G>A, p.Gly135Ser (NM_001167962.2, NM_001321787.2, NM_206883.3 and 2 more transcripts); short protein forms G135S.
Identifiers: ClinVar variation 2027408 (VCV002027408.4), dbSNP rs2485411252, ClinGen allele CA368767356.

ClinVar aggregate classification (germline): Uncertain significance (1 of 4 stars; one submission).

Submission:

Labcorp Genetics (formerly Invitae), Labcorp
Classification: Uncertain significance. Last evaluated: 2022-09-07. Review status: criteria provided, single submitter. Criteria: Invitae Variant Classification Sherloc (09022015). Collection method: clinical testing. Allele origin: germline.
Comment: This sequence change replaces glycine, which is neutral and non-polar, with serine, which is neutral and polar, at codon 135 of the SLC26A5 protein (p.Gly135Ser). This variant also falls at the last nucleotide of exon 5, which is part of the consensus splice site for this exon. This variant is not present in population databases (gnomAD no frequency). This variant has not been reported in the literature in individuals affected with SLC26A5-related conditions. Algorithms developed to predict the effect of missense changes on protein structure and function (SIFT, PolyPhen-2, Align-GVGD) all suggest that this variant is likely to be disruptive. Variants that disrupt the consensus splice site are a relatively common cause of aberrant splicing (PMID: 17576681, 9536098). Algorithms developed to predict the effect of sequence changes on RNA splicing suggest that this variant may disrupt the consensus splice site. In summary, the available evidence is currently insufficient to determine the role of this variant in disease. Therefore, it has been classified as a Variant of Uncertain Significance.

Literature cited by the submitters: PubMed 17576681; PubMed 9536098.